The following is an entry in ClinVar:

ClinVar aggregate classification (germline): Uncertain significance (1 of 4 stars; one submission).

Conditions:
Hereditary cancer-predisposing syndrome. Also called: Neoplastic Syndromes, Hereditary; Tumor predisposition; Hereditary neoplastic syndrome; Hereditary Cancer Syndrome. Identifiers: Orphanet 140162, MedGen C0027672, MeSH D009386, MONDO:0015356.

Submission:

Ambry Genetics
Classification: Uncertain significance for Hereditary cancer-predisposing syndrome. Last evaluated: 2023-01-17. Review status: criteria provided, single submitter. Criteria: Ambry Variant Classification Scheme 2023. Collection method: clinical testing. Allele origin: germline.
Comment: The p.N910K variant (also known as c.2730C>A), located in coding exon 4 of the MSH6 gene, results from a C to A substitution at nucleotide position 2730. The asparagine at codon 910 is replaced by lysine, an amino acid with similar properties. This amino acid position is conserved. In addition, this alteration is predicted to be tolerated by in silico analysis. Since supporting evidence is limited at this time, the clinical significance of this alteration remains unclear.

NM_000179.3(MSH6):c.2730C>A (p.Asn910Lys)

Gene: MSH6 (mutS homolog 6; plus strand). Cytogenetic location: 2p16.3.
Variant type: single nucleotide variant.
Coding change: c.2730C>A on transcript NM_000179.3 (MANE Select); coding-DNA position 2730, C replaced by A.
Protein change: p.Asn910Lys; replaces asparagine 910 with lysine.
Molecular consequence: missense variant. On other transcripts: non-coding transcript variant (5), intron variant (2).
Genome position (GRCh38, 1-based): chr2:47,800,713, C>A. VCF-style: chr2-47800713-C-A. GRCh37 (hg19) VCF-style: chr2-48027852-C-A.
Other names: c.2340C>A, p.Asn780Lys (NM_001281492.2); c.1824C>A, p.Asn608Lys (NM_001281493.2, NM_001281494.2, NM_001406811.1 and 6 more transcripts); c.2826C>A, p.Asn942Lys (NM_001406795.1, NM_001406802.1); c.2730C>A, p.Asn910Lys (NM_001406796.1, NM_001406798.1, NM_001406800.1 and 2 more transcripts); c.2433C>A, p.Asn811Lys (NM_001406797.1, NM_001406801.1, NM_001406805.1 and 10 more transcripts); c.2205C>A, p.Asn735Lys (NM_001406799.1, NM_001406806.1, NM_001406807.1); c.2652C>A, p.Asn884Lys (NM_001406804.1); c.2736C>A, p.Asn912Lys (NM_001406813.1); and 4 more; short protein forms N608K, N910K, N811K, N884K, N942K, N735K, N912K, N225K.
Identifiers: ClinVar variation 2453199 (VCV002453199.2), dbSNP rs773837927, ClinGen allele CA346755376.